The following is an entry in ClinVar:

ClinVar aggregate classification (germline): Uncertain significance. Review status: criteria provided, multiple submitters, no conflicts (2 of 4 stars). 5 submissions from 5 submitters: Uncertain significance (5). Last evaluated 2021-10-15.

Conditions:
Cardiovascular phenotype. Identifiers: MedGen CN230736.
Autosomal recessive limb-girdle muscular dystrophy type 2J (LGMDR10). Also called: MUSCULAR DYSTROPHY, LIMB-GIRDLE, AUTOSOMAL RECESSIVE 10; Limb-girdle muscular dystrophy, type 2J. Identifiers: Orphanet 140922, MedGen C1837342, MONDO:0012127, OMIM 608807.
Tibial muscular dystrophy (TMD). Also called: Tibial muscular dystrophy, tardive; Udd Distal Myopathy – Tibial Muscular Dystrophy; UDD MYOPATHY. Identifiers: Orphanet 609, MedGen C1838244, MONDO:0010870, OMIM 600334.
Myopathy, myofibrillar, 9, with early respiratory failure (MFM9). Also called: Myopathy, distal, with early respiratory failure, autosomal dominant; EDSTROM MYOPATHY; MYOPATHY, PROXIMAL, WITH EARLY RESPIRATORY MUSCLE INVOLVEMENT; Hereditary myopathy with early respiratory failure. Identifiers: Orphanet 178464, Orphanet 34521, MedGen C1863599, MONDO:0011362, OMIM 603689.
Dilated cardiomyopathy 1G (CMD1G). Identifiers: Orphanet 154, MedGen C1858763, MONDO:0011400, OMIM 604145.
Early-onset myopathy with fatal cardiomyopathy (CMYO5). Also called: CONGENITAL MYOPATHY 5 WITH CARDIOMYOPATHY; Salih Myopathy. Identifiers: Orphanet 289377, MedGen C2673677, MONDO:0012714, OMIM 611705. Disease mechanism: loss of function.
Hypertrophic cardiomyopathy 9. Also called: Familial hypertrophic cardiomyopathy 9. Identifiers: MedGen C1861065, MONDO:0013412, OMIM 613765.
Cardiomyopathy (CMYO). Also called: Cardiomyopathies. Identifiers: Orphanet 167848, MedGen C0878544, MONDO:0004994, HP:0001638. Inheritance: Various modes of inheritance.

Allele frequency attached by ClinVar (database versions not stated): gnomAD 0.00001; gnomAD exomes 0.00002; TOPMed 0.00002; ExAC 0.00003.
gnomAD v4.1: 10 of 1,614,016 alleles (0.00062%); highest among the groups gnomAD compares: Admixed American, 0.013%; no homozygotes.

Submissions (5):

Fulgent Genetics
Classification: Uncertain significance for Tibial muscular dystrophy; Myopathy, myofibrillar, 9, with early respiratory failure; Dilated cardiomyopathy 1G; Autosomal recessive limb-girdle muscular dystrophy type 2J; Early-onset myopathy with fatal cardiomyopathy; Hypertrophic cardiomyopathy 9. Last evaluated: 2021-10-15. Review status: criteria provided, single submitter. Criteria: ACMG Guidelines, 2015. Collection method: clinical testing. Allele origin: unknown.

Revvity Omics, Revvity
Classification: Uncertain significance. Last evaluated: 2019-06-12. Review status: criteria provided, single submitter. Criteria: ACMG Guidelines, 2015. Collection method: clinical testing. Allele origin: germline.

Center for Advanced Laboratory Medicine, UC San Diego Health, University of California San Diego
Classification: Uncertain significance for Cardiomyopathy. Last evaluated: 2019-03-15. Review status: criteria provided, single submitter. Criteria: ACMG Guidelines, 2015. Collection method: clinical testing. Allele origin: germline. Affected: yes. Observed: 1 variant allele.

Ambry Genetics
Classification: Uncertain significance for Cardiovascular phenotype. Last evaluated: 2017-11-27. Review status: criteria provided, single submitter. Criteria: Ambry Variant Classification Scheme 2023. Collection method: clinical testing. Allele origin: germline.
Comment: The p.K3228Q variant (also known as c.9682A>C), located in coding exon 40 of the TTN gene, results from an A to C substitution at nucleotide position 9682. The lysine at codon 3228 is replaced by glutamine, an amino acid with similar properties. This amino acid position is highly conserved in available vertebrate species. In addition, the in silico prediction for this alteration is inconclusive. Since supporting evidence is limited at this time, the clinical significance of this alteration remains unclear.

Laboratory for Molecular Medicine, Mass General Brigham Personalized Medicine
Classification: Uncertain significance. Last evaluated: 2017-07-10. Review status: criteria provided, single submitter. Criteria: LMM Criteria. Collection method: clinical testing. Allele origin: germline. Observed: 2 variant alleles.
Comment: The p.Lys3274Gln variant in TTN has not been previously reported in any other fa mily with cardiomyopathy. This variant has been identified in 6/34408 of Latino chromosomes by the Genome Aggregation Database (gnomAD; dbSNP rs201696360). Computational prediction tools and conservation an alysis suggest that the p.Lys3274Gln variant may impact the protein, though this information is not predictive enough to determine pathogenicity. In summary, th e clinical significance of the p.Lys3274Gln variant is uncertain.

NM_001267550.2(TTN):c.9820A>C (p.Lys3274Gln)

Gene: TTN (titin; minus strand). Cytogenetic location: 2q31.2.
Variant type: single nucleotide variant.
Coding change: c.9820A>C on transcript NM_001267550.2 (MANE Select); coding-DNA position 9820, A replaced by C.
Protein change: p.Lys3274Gln; replaces lysine 3274 with glutamine.
Molecular consequence: missense variant.
Genome position (GRCh38, 1-based): chr2:178,764,695, T>G on the plus strand (A>C on the coding strand, the complement: TTN is on the minus strand). VCF-style: chr2-178764695-T-G. GRCh37 (hg19) VCF-style: chr2-179629422-T-G.
Other names: c.9820A>C, p.Lys3274Gln (NM_001256850.1, NM_133379.5, NM_133378.4); c.9682A>C, p.Lys3228Gln (NM_133432.3, NM_133437.4, NM_003319.4); short protein forms K3274Q, K3228Q.
Identifiers: ClinVar variation 166295 (VCV000166295.14), dbSNP rs201696360, ClinGen allele CA179207.